The following is an entry in ClinVar:

NC_000009.12:g.35658022T>A

Gene: RMRP (RNA component of mitochondrial RNA processing endoribonuclease; minus strand). Cytogenetic location: 9p13.3.
Variant type: single nucleotide variant.
Genome position: GRCh38 VCF-style: chr9-35658022-T-A. GRCh37 (hg19) VCF-style: chr9-35658019-T-A.
Identifiers: ClinVar variation 969464 (VCV000969464.5), dbSNP rs555890962, ClinGen allele CA192745747.
Genomic context (GRCh38, chr9:35,658,022, plus strand): 5'-AGGGGAGGAACAGAGTCCTCAGTGTGTAGCCTAGGATACAGGCCTTCAGCACGAACCACG[T>A]CCTCAGCTTCACAGAGTAGTATTTTATAGCCCTAAAGAAATTGTGTTTTATGATTAGGGT-3'

ClinVar aggregate classification (germline): Uncertain significance. Review status: criteria provided, multiple submitters, no conflicts (2 of 4 stars). 3 submissions from 3 submitters: Uncertain significance (2). 1 of the submissions does not count toward it. Last evaluated 2022-05-25.

Conditions:
Metaphyseal chondrodysplasia, McKusick type (CHH). Also called: Cartilage-hair hypoplasia; Cartilage-Hair Hypoplasia (CHH). Identifiers: Orphanet 175, MedGen C0220748, MONDO:0009595, OMIM 250250.
Anauxetic dysplasia. Identifiers: Orphanet 93347, MedGen C1846796, MONDO:0011773.

Allele frequency attached by ClinVar (database versions not stated): TOPMed 0.00002; 1000 Genomes Project 0.00020; 1000 Genomes Project 30x 0.00031.

Submissions (3):

Labcorp Genetics (formerly Invitae), Labcorp
Classification: Uncertain significance for Anauxetic dysplasia. Last evaluated: 2022-05-25. Review status: criteria provided, single submitter. Criteria: Invitae Variant Classification Sherloc (09022015). Collection method: clinical testing. Allele origin: germline.
Comment: This variant occurs in the RMRP gene, which encodes an RNA molecule that does not result in a protein product. This variant is present in population databases (rs555890962, gnomAD 0.03%). This variant has not been reported in the literature in individuals affected with RMRP-related conditions. ClinVar contains an entry for this variant (Variation ID: 969464). Experimental studies and prediction algorithms are not available or were not evaluated, and the functional significance of this variant is currently unknown. In summary, the available evidence is currently insufficient to determine the role of this variant in disease. Therefore, it has been classified as a Variant of Uncertain Significance.

Blueprint Genetics
Classification: Uncertain significance. Last evaluated: 2021-08-16. Review status: criteria provided, single submitter. Criteria: ACMG Guidelines, 2015. Collection method: clinical testing. Allele origin: germline.

Natera, Inc.
Classification: Uncertain significance for Cartilage-hair hypoplasia. Last evaluated: 2020-05-11. Review status: no assertion criteria provided. Collection method: clinical testing. Allele origin: germline. Not counted in ClinVar's aggregate classification.